The following is an entry in ClinVar:

NM_024596.5(MCPH1):c.664T>C (p.Cys222Arg)

Gene: MCPH1 (microcephalin 1; plus strand). Cytogenetic location: 8p23.1.
Variant type: single nucleotide variant.
Coding change: c.664T>C on transcript NM_024596.5 (MANE Select); coding-DNA position 664, T replaced by C.
Protein change: p.Cys222Arg; replaces cysteine 222 with arginine.
Molecular consequence: missense variant. On other transcripts: non-coding transcript variant (1).
Genome position (GRCh38, 1-based): chr8:6,442,150, T>C. VCF-style: chr8-6442150-T-C. GRCh37 (hg19) VCF-style: chr8-6299671-T-C.
Other names: c.664T>C, p.Cys222Arg (NM_001172574.2, NM_001322042.2, NM_001363979.1 and 1 more transcripts); c.520T>C, p.Cys174Arg (NM_001172575.2); c.658T>C, p.Cys220Arg (NM_001322043.2); c.562T>C, p.Cys188Arg (NM_001322045.2); short protein forms C222R, C174R, C220R, C188R.
Identifiers: ClinVar variation 211448 (VCV000211448.24), dbSNP rs41313952, ClinGen allele CA206545.

ClinVar aggregate classification (germline): Conflicting classifications of pathogenicity. Review status: criteria provided, conflicting classifications (1 of 4 stars). 7 submissions from 7 submitters: Uncertain significance (6); Likely benign (1). Last evaluated 2026-01-28.

Conditions:
Inborn genetic diseases. Identifiers: MedGen C0950123, MeSH D030342.
Microcephaly 1, primary, autosomal recessive (MCPH1). Also called: PCC SYNDROME; PREMATURE CHROMOSOME CONDENSATION WITH MICROCEPHALY AND MENTAL RETARDATION; PREMATURE CHROMOSOME CONDENSATION SYNDROME. Identifiers: Orphanet 2512, MedGen C1855081, MONDO:0009617, OMIM 251200.

Allele frequency attached by ClinVar (database versions not stated): 1000 Genomes Project 0.00020; TOPMed 0.00030; gnomAD 0.00037 and 0.00038; ExAC 0.00038; ESP Exome Variant Server 0.00042; gnomAD exomes 0.00043; 1000 Genomes Project 30x 0.00047.
gnomAD v4.1: 684 of 1,602,172 alleles (0.043%); highest among the groups gnomAD compares: Non-Finnish European, 0.043%; no homozygotes.

Submissions (7):

Labcorp Genetics (formerly Invitae), Labcorp
Classification: Likely benign. Last evaluated: 2026-01-28. Review status: criteria provided, single submitter. Criteria: Invitae Variant Classification Sherloc (09022015). Collection method: clinical testing. Allele origin: germline.

Blueprint Genetics
Classification: Uncertain significance. Last evaluated: 2024-10-10. Review status: criteria provided, single submitter. Criteria: ACMG Guidelines, 2015. Collection method: clinical testing. Allele origin: germline.

Revvity Omics, Revvity
Classification: Uncertain significance for Microcephaly 1, primary, autosomal recessive. Last evaluated: 2021-06-30. Review status: criteria provided, single submitter. Criteria: ACMG Guidelines, 2015. Collection method: clinical testing. Allele origin: germline.

Ambry Genetics
Classification: Uncertain significance for Inborn genetic diseases. Last evaluated: 2020-11-10. Review status: criteria provided, single submitter. Criteria: Ambry Variant Classification Scheme 2023. Collection method: clinical testing. Allele origin: germline.
Comment: The c.664T>C (p.C222R) alteration is located in exon 7 (coding exon 7) of the MCPH1 gene. This alteration results from a T to C substitution at nucleotide position 664, causing the cysteine (C) at amino acid position 222 to be replaced by an arginine (R). Based on data from the Genome Aggregation Database (gnomAD) database, the MCPH1 c.664T>C alteration was observed in 0.04% (118/280498) of total alleles studied, with a frequency of 0.26% (27/10354) in the Ashkenazi Jewish subpopulation. This amino acid position is poorly conserved in available vertebrate species. The p.C222R alteration is predicted to be tolerated by in silico analysis. Based on insufficient or conflicting evidence, the clinical significance of this alteration remains unclear.

Illumina Laboratory Services, Illumina
Classification: Uncertain significance for Microcephaly 1, primary, autosomal recessive. Last evaluated: 2018-01-12. Review status: criteria provided, single submitter. Criteria: ICSL Variant Classification Criteria 13 December 2019. Collection method: clinical testing. Allele origin: germline.

GeneDx
Classification: Uncertain significance. Last evaluated: 2017-05-12. Review status: criteria provided, single submitter. Criteria: GeneDx Variant Classification (06012015). Collection method: clinical testing. Allele origin: germline. Affected: yes.
Comment: A variant of uncertain significance has been identified in the MCPH1 gene. The C222R variant has not been published as a pathogenic variant, nor has it been reported as a benign variant to our knowledge. The C222R variant is observed in 6/6552 (0.09%) alleles from individuals of Finnish background (Lek et al., 2016; 1000 Genomes Consortium et al., 2015; Exome Variant Server). The C222R variant is a non-conservative amino acid substitution, which is likely to impact secondary protein structure as these residues differ in polarity, charge, size and/or other properties. However, this substitution occurs at a position that is not conserved, and in silico analysis predicts this variant likely does not alter the protein structure/function. Therefore, based on the currently available information, it is unclear whether this variant is a pathogenic variant or a rare benign variant.

Genetic Services Laboratory, University of Chicago
Classification: Uncertain significance. Last evaluated: 2014-08-22. Review status: criteria provided, single submitter. Criteria: ACMG Guidelines, 2015. Collection method: clinical testing. Allele origin: germline.